The following is an entry in ClinVar:

NM_021942.6(TRAPPC11):c.933G>A (p.Leu311=)

Gene: TRAPPC11 (trafficking protein particle complex subunit 11; plus strand). Cytogenetic location: 4q35.1.
Variant type: single nucleotide variant.
Coding change: c.933G>A on transcript NM_021942.6 (MANE Select); coding-DNA position 933, G replaced by A.
Protein change: p.Leu311=; no amino-acid change (leucine 311 retained).
Molecular consequence: synonymous variant.
Genome position (GRCh38, 1-based): chr4:183,679,454, G>A. VCF-style: chr4-183679454-G-A. GRCh37 (hg19) VCF-style: chr4-184600607-G-A.
Other names: c.933G>A, p.Leu311= (NM_199053.3).
Identifiers: ClinVar variation 3774309 (VCV003774309.1).

ClinVar aggregate classification (germline): Uncertain significance (1 of 4 stars; one submission).

Submission:

GeneDx
Classification: Uncertain significance. Last evaluated: 2024-09-24. Review status: criteria provided, single submitter. Criteria: GeneDx Variant Classification Process June 2021. Collection method: clinical testing. Allele origin: germline. Affected: yes.
Comment: Not observed at significant frequency in large population cohorts (gnomAD); In silico analysis indicates that this variant does not alter splicing; Has not been previously published as pathogenic or benign to our knowledge